The following is an entry in ClinVar:

ClinVar aggregate classification (germline): Uncertain significance. Review status: criteria provided, multiple submitters, no conflicts (2 of 4 stars). 2 submissions from 2 submitters: Uncertain significance (2). Last evaluated 2021-03-06.

Conditions:
Familial hemiplegic migraine. Identifiers: MedGen C0338484, MONDO:0000700.
Inborn genetic diseases. Identifiers: MedGen C0950123, MeSH D030342.

Submissions (2):

Labcorp Genetics (formerly Invitae), Labcorp
Classification: Uncertain significance for Familial hemiplegic migraine. Last evaluated: 2021-03-06. Review status: criteria provided, single submitter. Criteria: Invitae Variant Classification Sherloc (09022015). Collection method: clinical testing. Allele origin: germline.
Comment: This sequence change falls in intron 17 of the ATP1A2 gene. It does not directly change the encoded amino acid sequence of the ATP1A2 protein, but it affects a nucleotide within the consensus splice site of the intron. In summary, the available evidence is currently insufficient to determine the role of this variant in disease. Therefore, it has been classified as a Variant of Uncertain Significance. Nucleotide substitutions within the consensus splice site are a relatively common cause of aberrant splicing (PMID: 17576681, 9536098). Algorithms developed to predict the effect of sequence changes on RNA splicing suggest that this variant may disrupt the consensus splice site, but this prediction has not been confirmed by published transcriptional studies. This variant has not been reported in the literature in individuals with ATP1A2-related conditions. This variant is not present in population databases (ExAC no frequency).

Ambry Genetics
Classification: Uncertain significance for Inborn genetic diseases. Last evaluated: 2019-06-13. Review status: criteria provided, single submitter. Criteria: Ambry Variant Classification Scheme 2023. Collection method: clinical testing. Allele origin: germline.
Comment: The c.2439+5G>A intronic variant results from a G to A substitution 5 nucleotides after coding exon 17 in the ATP1A2 gene. This nucleotide position is well conserved in available vertebrate species. Using two different splice site prediction tools, this alteration is predicted by BDGP to abolish the native splice donor site, but is predicted to weaken (but not abolish) the efficiency of the native splice donor site by ESEfinder; however, direct evidence is unavailable. Since supporting evidence is limited at this time, the clinical significance of this alteration remains unclear.

Literature cited by the submitters: PubMed 17576681 (cited by Labcorp Genetics (formerly Invitae), Labcorp); PubMed 9536098 (cited by Labcorp Genetics (formerly Invitae), Labcorp).

NM_000702.4(ATP1A2):c.2439+5G>A

Gene: ATP1A2 (ATPase Na+/K+ transporting subunit alpha 2; plus strand). Cytogenetic location: 1q23.2.
Variant type: single nucleotide variant.
Coding change: c.2439+5G>A on transcript NM_000702.4 (MANE Select); 5 bases into the intron after coding-DNA position 2439, G replaced by A.
Molecular consequence: intron variant.
Genome position (GRCh38, 1-based): chr1:160,135,998, G>A. VCF-style: chr1-160135998-G-A. GRCh37 (hg19) VCF-style: chr1-160105788-G-A.
Identifiers: ClinVar variation 1007957 (VCV001007957.8), dbSNP rs1651923862, ClinGen allele CA1202195332.